The following is an entry in ClinVar:

ClinVar aggregate classification (germline): Benign/Likely benign. Review status: criteria provided, multiple submitters, no conflicts (2 of 4 stars). 2 submissions from 2 submitters: Benign (1); Likely benign (1). Last evaluated 2024-03-14.

Conditions:
Hereditary cancer-predisposing syndrome. Also called: Neoplastic Syndromes, Hereditary; Tumor predisposition; Hereditary Cancer Syndrome; Hereditary neoplastic syndrome. Identifiers: Orphanet 140162, MedGen C0027672, MeSH D009386, MONDO:0015356.
Familial adenomatous polyposis 1 (FAP1). Also called: FAMILIAL ADENOMATOUS POLYPOSIS 1, ATTENUATED; POLYPOSIS, ADENOMATOUS INTESTINAL. Identifiers: MedGen C2713442, MONDO:0021056, OMIM 175100. Disease mechanism: loss of function.

Submissions (2):

Myriad Genetics, Inc.
Classification: Benign for Familial adenomatous polyposis 1. Last evaluated: 2024-03-14. Review status: criteria provided, single submitter. Criteria: Myriad Autosomal Dominant, Autosomal Recessive and X-Linked Classification Criteria (2023). Collection method: clinical testing. Allele origin: unknown.
Comment: This variant is considered benign. This variant is a silent/synonymous amino acid change and it is not expected to impact splicing.

Color Diagnostics, LLC DBA Color Health
Classification: Likely benign for Hereditary cancer-predisposing syndrome. Last evaluated: 2019-02-14. Review status: criteria provided, single submitter. Criteria: ACMG Guidelines, 2015. Collection method: clinical testing. Allele origin: germline.

NM_000038.6(APC):c.2583C>T (p.Gly861=)

Gene: APC (APC regulator of Wnt signaling pathway; plus strand). Cytogenetic location: 5q22.2.
Variant type: single nucleotide variant.
Coding change: c.2583C>T on transcript NM_000038.6 (MANE Select); coding-DNA position 2583, C replaced by T.
Protein change: p.Gly861=; no amino-acid change (glycine 861 retained).
Molecular consequence: synonymous variant.
Genome position (GRCh38, 1-based): chr5:112,838,177, C>T. VCF-style: chr5-112838177-C-T. GRCh37 (hg19) VCF-style: chr5-112173874-C-T.
Other names: c.2583C>T, p.Gly861= (NM_001127510.3, NM_001354895.2); c.2529C>T, p.Gly843= (NM_001127511.3); c.2637C>T, p.Gly879= (NM_001354896.2); c.2613C>T, p.Gly871= (NM_001354897.2); c.2508C>T, p.Gly836= (NM_001354898.2); c.2499C>T, p.Gly833= (NM_001354899.2); c.2460C>T, p.Gly820= (NM_001354900.2); c.2406C>T, p.Gly802= (NM_001354901.2); and 5 more.
Identifiers: ClinVar variation 919960 (VCV000919960.3), dbSNP rs1580624343, ClinGen allele CA445962911.